The following is an entry in ClinVar:

NM_001044.5(SLC6A3):c.1389C>A (p.Cys463Ter)

Gene: SLC6A3 (solute carrier family 6 member 3). Cytogenetic location: 5p15.33.
Variant type: single nucleotide variant.
Coding change: c.1389C>A on transcript NM_001044.5 (MANE Select); coding-DNA position 1389, C replaced by A.
Protein change: p.Cys463Ter; replaces cysteine 463 with a stop codon.
Molecular consequence: nonsense.
Genome position (GRCh38, 1-based): chr5:1,409,730, G>T on the plus strand (C>A on the coding strand, the complement: SLC6A3 is on the minus strand). VCF-style: chr5-1409730-G-T. GRCh37 (hg19) VCF-style: chr5-1409845-G-T.
Other names: short protein forms C463*.
Identifiers: ClinVar variation 2655276 (VCV002655276.24), dbSNP rs768878455, ClinGen allele CA359078795.

ClinVar aggregate classification (germline): Pathogenic (1 of 4 stars; one submission).

Submission:

CeGaT Center for Human Genetics Tuebingen
Classification: Pathogenic. Last evaluated: 2023-06-01. Review status: criteria provided, single submitter. Criteria: CeGaT Center For Human Genetics Tuebingen Variant Classification Criteria Version 2. Collection method: clinical testing. Allele origin: germline. Affected: yes. Observed: 1 variant allele.
Comment: SLC6A3: PVS1, PM2